The following is an entry in ClinVar:

NM_138713.4(NFAT5):c.869A>C (p.Gln290Pro)

Gene: NFAT5 (nuclear factor of activated T cells 5; plus strand). Cytogenetic location: 16q22.1.
Variant type: single nucleotide variant.
Coding change: c.869A>C on transcript NM_138713.4 (MANE Select); coding-DNA position 869, A replaced by C.
Protein change: p.Gln290Pro; replaces glutamine 290 with proline.
Molecular consequence: missense variant.
Genome position (GRCh38, 1-based): chr16:69,653,292, A>C. VCF-style: chr16-69653292-A-C. GRCh37 (hg19) VCF-style: chr16-69687195-A-C.
Other names: c.869A>C, p.Gln290Pro (NM_001113178.3); c.197A>C, p.Gln66Pro (NM_001367709.1); c.815A>C, p.Gln272Pro (NM_006599.4); c.587A>C, p.Gln196Pro (NM_138714.4, NM_173214.3, NM_173215.3); short protein forms Q196P, Q272P, Q290P, Q66P.
Identifiers: ClinVar variation 4765709 (VCV004765709.1).

ClinVar aggregate classification (germline): Uncertain significance (1 of 4 stars; one submission).

Conditions:
Immunodeficiency. Identifiers: MedGen C0021051, MONDO:0021094, HP:0002721.

Submission:

Labcorp Genetics (formerly Invitae), Labcorp
Classification: Uncertain significance for Immunodeficiency. Last evaluated: 2025-10-06. Review status: criteria provided, single submitter. Criteria: Invitae Variant Classification Sherloc (09022015). Collection method: clinical testing. Allele origin: germline.
Comment: This sequence change replaces glutamine, which is neutral and polar, with proline, which is neutral and non-polar, at codon 196 of the NFAT5 protein (p.Gln196Pro). This variant is present in population databases (rs781126963, gnomAD 0.003%). This variant has not been reported in the literature in individuals affected with NFAT5-related conditions. An algorithm developed to predict the effect of missense changes on protein structure and function (PolyPhen-2) suggests that this variant is likely to be disruptive. In summary, the available evidence is currently insufficient to determine the role of this variant in disease. Therefore, it has been classified as a Variant of Uncertain Significance.